The following is an entry in ClinVar:

ClinVar aggregate classification (germline): Likely benign. Review status: criteria provided, multiple submitters, no conflicts (2 of 4 stars). 6 submissions from 6 submitters: Likely benign (6). Last evaluated 2026-01-28.

Conditions:
Developmental and epileptic encephalopathy, 50 (DEE50). Also called: Epileptic encephalopathy, early infantile, 50. Identifiers: Orphanet 448010, MedGen C4225320, MONDO:0014647, OMIM 616457.

Allele frequency attached by ClinVar (database versions not stated): gnomAD exomes 0.00019 and 0.00022; ExAC 0.00021; gnomAD 0.00036 and 0.00040; ESP Exome Variant Server 0.00046; TOPMed 0.00061; 1000 Genomes Project 30x 0.00094; 1000 Genomes Project 0.00100.
gnomAD v4.1: 358 of 1,613,976 alleles (0.022%); highest among the groups gnomAD compares: Middle Eastern, 0.12%; no homozygotes.

Submissions (6):

Labcorp Genetics (formerly Invitae), Labcorp
Classification: Likely benign. Last evaluated: 2026-01-28. Review status: criteria provided, single submitter. Criteria: Invitae Variant Classification Sherloc (09022015). Collection method: clinical testing. Allele origin: germline.

Women's Health and Genetics/Laboratory Corporation of America, LabCorp
Classification: Likely benign. Last evaluated: 2026-01-14. Review status: criteria provided, single submitter. Criteria: LabCorp Variant Classification Summary - May 2015. Collection method: clinical testing. Allele origin: germline.

ARUP Laboratories, Molecular Genetics and Genomics, ARUP Laboratories
Classification: Likely benign for Developmental and epileptic encephalopathy, 50. Last evaluated: 2024-09-16. Review status: criteria provided, single submitter. Criteria: ARUP Molecular Germline Variant Investigation Process 2024. Collection method: clinical testing. Allele origin: germline.

Blueprint Genetics
Classification: Likely benign. Last evaluated: 2024-07-23. Review status: criteria provided, single submitter. Criteria: ACMG Guidelines, 2015. Collection method: clinical testing. Allele origin: germline.

CeGaT Center for Human Genetics Tuebingen
Classification: Likely benign. Last evaluated: 2023-10-01. Review status: criteria provided, single submitter. Criteria: CeGaT Center For Human Genetics Tuebingen Variant Classification Criteria Version 2. Collection method: clinical testing. Allele origin: germline. Affected: yes. Observed: 2 variant alleles.
Comment: CAD: BP4, BP7

Breakthrough Genomics
Classification: Likely benign. Review status: criteria provided, single submitter. Criteria: ACMG Guidelines, 2015. Collection method: not provided. Allele origin: germline. Inheritance: Autosomal recessive inheritance. Affected: yes.

NM_004341.5(CAD):c.435T>G (p.Pro145=)

Gene: CAD (carbamoyl-phosphate synthetase 2, aspartate transcarbamylase, and dihydroorotase; plus strand). Cytogenetic location: 2p23.3.
Variant type: single nucleotide variant.
Coding change: c.435T>G on transcript NM_004341.5 (MANE Select); coding-DNA position 435, T replaced by G.
Protein change: p.Pro145=; no amino-acid change (proline 145 retained).
Molecular consequence: synonymous variant.
Genome position (GRCh38, 1-based): chr2:27,222,276, T>G. VCF-style: chr2-27222276-T-G. GRCh37 (hg19) VCF-style: chr2-27445144-T-G.
Other names: c.435T>G, p.Pro145= (NM_001306079.2).
Identifiers: ClinVar variation 775169 (VCV000775169.37), dbSNP rs138979522, ClinGen allele CA1572414.
Genomic context (GRCh38, chr2:27,222,276, plus strand): 5'-CAAGAAGTTGCGGGAACAGGGGTCTCTGCTGGGGAAGCTGGTCCAGAATGGAACAGAACC[T>G]TCATCCCTGCCATTCTTGGACCCCAATGCCCGCCCCCTGGTACCAGAGGTCTCCATTAAG-3'
Protein context (NP_004332.2, residues 135-155): LGKLVQNGTE[Pro145=]SSLPFLDPNA